The following is an entry in ClinVar:

NM_181486.4(TBX5):c.443G>A (p.Trp148Ter)

Gene: TBX5 (T-box transcription factor 5; minus strand). Cytogenetic location: 12q24.21.
Variant type: single nucleotide variant.
Coding change: c.443G>A on transcript NM_181486.4 (MANE Select); coding-DNA position 443, G replaced by A.
Protein change: p.Trp148Ter; replaces tryptophan 148 with a stop codon.
Molecular consequence: nonsense.
Genome position (GRCh38, 1-based): chr12:114,398,640, C>T on the plus strand (G>A on the coding strand, the complement: TBX5 is on the minus strand). VCF-style: chr12-114398640-C-T. GRCh37 (hg19) VCF-style: chr12-114836445-C-T.
Other names: c.443G>A, p.Trp148Ter (NM_000192.3); c.293G>A, p.Trp98Ter (NM_080717.4); short protein forms W148*, W98*.
Identifiers: ClinVar variation 411100 (VCV000411100.6), dbSNP rs1060503154, ClinGen allele CA16613732.

ClinVar aggregate classification (germline): Pathogenic (1 of 4 stars; one submission).

Conditions:
Aortic valve disease 2 (AOVD2). Identifiers: MedGen C3542024, MONDO:0013902, OMIM 614823.

Submission:

Labcorp Genetics (formerly Invitae), Labcorp
Classification: Pathogenic for Aortic valve disease 2. Last evaluated: 2022-11-01. Review status: criteria provided, single submitter. Criteria: Invitae Variant Classification Sherloc (09022015). Collection method: clinical testing. Allele origin: germline.
Comment: This sequence change creates a premature translational stop signal (p.Trp148*) in the TBX5 gene. It is expected to result in an absent or disrupted protein product. Loss-of-function variants in TBX5 are known to be pathogenic (PMID: 16183809, 16917909). This variant is not present in population databases (gnomAD no frequency). This variant has not been reported in the literature in individuals affected with TBX5-related conditions. ClinVar contains an entry for this variant (Variation ID: 411100). For these reasons, this variant has been classified as Pathogenic.

Literature cited by the submitters: PubMed 16183809; PubMed 16917909.